The following is an entry in ClinVar:

NM_017841.4(SDHAF2):c.246C>G (p.Asn82Lys)

Gene: SDHAF2 (succinate dehydrogenase complex assembly factor 2; plus strand). Cytogenetic location: 11q12.2.
Variant type: single nucleotide variant.
Coding change: c.246C>G on transcript NM_017841.4 (MANE Select); coding-DNA position 246, C replaced by G.
Protein change: p.Asn82Lys; replaces asparagine 82 with lysine.
Molecular consequence: missense variant.
Genome position (GRCh38, 1-based): chr11:61,437,834, C>G. VCF-style: chr11-61437834-C-G. GRCh37 (hg19) VCF-style: chr11-61205306-C-G.
Other names: short protein forms N82K.
Identifiers: ClinVar variation 821240 (VCV000821240.16), dbSNP rs1590764924, ClinGen allele CA380683873.
Genomic context (GRCh38, chr11:61,437,834, plus strand): 5'-CATAGAAACCAAAAGAGCCCGCCTGCTCTATGAGAGCAGAAAGAGGGGAATGTTGGAAAA[C>G]TGCATTCTTCTTAGGTATGGGACTAGGAGTCTTTTTTTTTAAATCGGGCAGCTTCCTGAG-3'
Protein context (NP_060311.1, residues 72-92): YESRKRGMLE[Asn82Lys]CILLSLFAKE

ClinVar aggregate classification (germline): Uncertain significance. Review status: criteria provided, multiple submitters, no conflicts (2 of 4 stars). 3 submissions from 3 submitters: Uncertain significance (3). Last evaluated 2025-02-06.

Conditions:
Hereditary cancer-predisposing syndrome. Also called: Hereditary Cancer Syndrome; Tumor predisposition; Neoplastic Syndromes, Hereditary; Hereditary neoplastic syndrome. Identifiers: Orphanet 140162, MedGen C0027672, MeSH D009386, MONDO:0015356.
Hereditary pheochromocytoma and paraganglioma. Also called: Hereditary pheochromocytoma-paraganglioma; Hereditary paragangliomas and pheochromocytomas; Hereditary Paraganglioma-Pheochromocytoma Syndromes. Identifiers: Orphanet 29072, MedGen C4274332, MONDO:0017366.

Submissions (3):

Ambry Genetics
Classification: Uncertain significance for Hereditary cancer-predisposing syndrome. Last evaluated: 2025-02-06. Review status: criteria provided, single submitter. Criteria: Ambry Variant Classification Scheme 2023. Collection method: clinical testing. Allele origin: germline.
Comment: The p.N82K variant (also known as c.246C>G), located in coding exon 2 of the SDHAF2 gene, results from a C to G substitution at nucleotide position 246. The asparagine at codon 82 is replaced by lysine, an amino acid with similar properties. This amino acid position is highly conserved in available vertebrate species. In addition, the in silico prediction for this alteration is inconclusive. Since supporting evidence is limited at this time, the clinical significance of this alteration remains unclear.

All of Us Research Program, National Institutes of Health
Classification: Uncertain significance for Hereditary pheochromocytoma and paraganglioma. Last evaluated: 2023-06-26. Review status: criteria provided, single submitter. Criteria: ACMG Guidelines, 2015. Collection method: clinical testing. Allele origin: germline. Inheritance: Autosomal dominant inheritance. Observed: 1 variant allele, 1 heterozygote.
Comment: This missense variant replaces asparagine with lysine at codon 82 of the SDHAF2 protein. Computational prediction is inconclusive regarding the impact of this variant on protein structure and function (internally defined REVEL score threshold 0.5 < inconclusive < 0.7, PMID: 27666373). To our knowledge, functional studies have not been reported for this variant. This variant has not been reported in individuals affected with SDHAF2-related disorders in the literature. This variant has not been identified in the general population by the Genome Aggregation Database (gnomAD). The available evidence is insufficient to determine the role of this variant in disease conclusively. Therefore, this variant is classified as a Variant of Uncertain Significance.

This study involves interpretation of variants in research participants for the purpose of population health screening. Participant phenotype was not available at the time of variant classification. Additional details can be found in publication PMID: 35346344, PMCID: PMC8962531

Labcorp Genetics (formerly Invitae), Labcorp
Classification: Uncertain significance for Hereditary pheochromocytoma and paraganglioma. Last evaluated: 2022-03-13. Review status: criteria provided, single submitter. Criteria: Invitae Variant Classification Sherloc (09022015). Collection method: clinical testing. Allele origin: germline.
Comment: In summary, the available evidence is currently insufficient to determine the role of this variant in disease. Therefore, it has been classified as a Variant of Uncertain Significance. Algorithms developed to predict the effect of missense changes on protein structure and function are either unavailable or do not agree on the potential impact of this missense change (SIFT: "Deleterious"; PolyPhen-2: "Probably Damaging"; Align-GVGD: "Class C15"). ClinVar contains an entry for this variant (Variation ID: 821240). This variant has not been reported in the literature in individuals affected with SDHAF2-related conditions. This variant is not present in population databases (gnomAD no frequency). This sequence change replaces asparagine, which is neutral and polar, with lysine, which is basic and polar, at codon 82 of the SDHAF2 protein (p.Asn82Lys).